The following is an entry in ClinVar:

NM_001195263.2(PDZD7):c.2186_2207del (p.Arg729fs)

Gene: PDZD7 (PDZ domain containing 7; minus strand). Cytogenetic location: 10q24.31.
Variant type: Deletion.
Coding change: c.2186_2207del on transcript NM_001195263.2 (MANE Select); coding-DNA positions 2186 to 2207, 22 bases deleted (GAATTGCCTGCACACCCCCTCC).
Protein change: p.Arg729fs; shifts the reading frame from arginine 729.
Molecular consequence: frameshift variant.
Genome position (GRCh38, 1-based): chr10:101,010,682-101,010,703, GGAGGGGGTGTGCAGGCAATTC deleted on the plus strand (GAATTGCCTGCACACCCCCTCC on the coding strand, the reverse complement: PDZD7 is on the minus strand); deleting any 22 consecutive bases within chr10:101,010,682-101,010,711 gives the same sequence; the c. name uses the placement nearest the transcript's 3' end. VCF-style (leftmost placement, unchanged base first): chr10-101010681-GGGAGGGGGTGTGCAGGCAATTC-G. GRCh37 (hg19) VCF-style: chr10-102770438-GGGAGGGGGTGTGCAGGCAATTC-G.
Other names: c.2183_2204del, p.Arg728fs (NM_001437429.1); short protein forms R729fs, R728fs.
Identifiers: ClinVar variation 5007433 (VCV005007433.2).

ClinVar aggregate classification (germline): Likely pathogenic (1 of 4 stars; one submission).

Conditions:
Hearing loss, autosomal recessive 57. Also called: DEAFNESS, AUTOSOMAL RECESSIVE 57. Identifiers: MedGen C4693893, MONDO:0033201, OMIM 618003.

Submission:

Juno Genomics, Hangzhou Juno Genomics, Inc
Classification: Likely pathogenic for Hearing loss, autosomal recessive 57. Review status: criteria provided, single submitter. Criteria: ACMG Guidelines, 2015. Collection method: clinical testing. Allele origin: germline.
Comment: Null variant in a gene where loss of function (LOF) is a known mechanism of disease.;Absent from controls (or at extremely low frequency if recessive) in Genome Aggregation Database.